The following is an entry in ClinVar:

ClinVar aggregate classification (germline): Uncertain significance (1 of 4 stars; one submission).

Submissions (2):

Women's Health and Genetics/Laboratory Corporation of America, LabCorp
Classification: Uncertain significance. Last evaluated: 2025-05-09. Review status: criteria provided, single submitter. Criteria: LabCorp Variant Classification Summary - May 2015. Collection method: clinical testing. Allele origin: germline.
Comment: Variant summary: F8 c.2591G>A (p.Gly864Glu) results in a non-conservative amino acid change in the encoded protein sequence. Algorithms developed to predict the effect of missense changes on protein structure and function are either unavailable or do not agree on the potential impact of this missense change. The variant allele was found at a frequency of 1.1e-05 in 182356 control chromosomes. The available data on variant occurrences in the general population are insufficient to allow any conclusion about variant significance. c.2591G>A has been observed in individual(s) affected with Factor VIII Deficiency (Janczar_2019). These data do not allow any conclusion about variant significance. To our knowledge, no experimental evidence demonstrating an impact on protein function has been reported. The following publications have been ascertained in the context of this evaluation (PMID: 31134694, 37647632). No submitters have cited clinical-significance assessments for this variant to ClinVar. Based on the evidence outlined above, the variant was classified as uncertain significance.

Dr. Peter K. Rogan Lab, Western University
No classification provided (evidence only). Condition: Nonpapillary renal cell carcinoma. Review status: no classification provided. Collection method: in vitro. Allele origin: not applicable. Functional consequence: retained intron. Not counted in ClinVar's aggregate classification.

Literature cited by the submitters: PubMed 37647632 (cited by Women's Health and Genetics/Laboratory Corporation of America, LabCorp); PubMed 31134694 (cited by Women's Health and Genetics/Laboratory Corporation of America, LabCorp).

NM_000132.4(F8):c.2591G>A (p.Gly864Glu)

Gene: F8 (coagulation factor VIII; minus strand). Cytogenetic location: Xq28.
Variant type: single nucleotide variant.
Coding change: c.2591G>A on transcript NM_000132.4 (MANE Select); coding-DNA position 2591, G replaced by A.
Protein change: p.Gly864Glu; replaces glycine 864 with glutamic acid.
Molecular consequence: missense variant.
Genome position (GRCh38, 1-based): chrX:154,931,199, C>T on the plus strand (G>A on the coding strand, the complement: F8 is on the minus strand). VCF-style: chrX-154931199-C-T. GRCh37 (hg19) VCF-style: chrX-154159474-C-T.
Other names: NC_000023.10:g.154159474C>T; short protein forms G864E.
Identifiers: ClinVar variation 3902337 (VCV003902337.2).